The following is an entry in ClinVar:

ClinVar aggregate classification (germline): Uncertain significance (1 of 4 stars; one submission).

Conditions:
Retinitis pigmentosa 71 (RP71). Identifiers: Orphanet 791, MedGen C4225342, MONDO:0014618, OMIM 616394.
Short-rib thoracic dysplasia 10 with or without polydactyly (SRTD10). Identifiers: Orphanet 474, MedGen C3810175, MONDO:0014284, OMIM 615630.

Allele frequency attached by ClinVar (database versions not stated): gnomAD exomes below 0.00001; TOPMed below 0.00001; ExAC 0.00001; gnomAD 0.00001.
gnomAD v4.1: 2 of 1,614,088 alleles (0.00012%); highest among the groups gnomAD compares: Admixed American, 0.0017%; no homozygotes.

Submission:

Labcorp Genetics (formerly Invitae), Labcorp
Classification: Uncertain significance for Retinitis pigmentosa 71; Short-rib thoracic dysplasia 10 with or without polydactyly. Last evaluated: 2022-09-27. Review status: criteria provided, single submitter. Criteria: Invitae Variant Classification Sherloc (09022015). Collection method: clinical testing. Allele origin: germline.
Comment: This variant is present in population databases (rs752920969, gnomAD 0.003%). This variant has not been reported in the literature in individuals affected with IFT172-related conditions. This sequence change replaces histidine, which is basic and polar, with tyrosine, which is neutral and polar, at codon 1032 of the IFT172 protein (p.His1032Tyr). ClinVar contains an entry for this variant (Variation ID: 1380358). Advanced modeling of protein sequence and biophysical properties (such as structural, functional, and spatial information, amino acid conservation, physicochemical variation, residue mobility, and thermodynamic stability) performed at Invitae indicates that this missense variant is not expected to disrupt IFT172 protein function. In summary, the available evidence is currently insufficient to determine the role of this variant in disease. Therefore, it has been classified as a Variant of Uncertain Significance.

NM_015662.3(IFT172):c.3094C>T (p.His1032Tyr)

Gene: IFT172 (intraflagellar transport 172; minus strand). Cytogenetic location: 2p23.3.
Variant type: single nucleotide variant.
Coding change: c.3094C>T on transcript NM_015662.3 (MANE Select); coding-DNA position 3094, C replaced by T.
Protein change: p.His1032Tyr; replaces histidine 1032 with tyrosine.
Molecular consequence: missense variant.
Genome position (GRCh38, 1-based): chr2:27,457,858, G>A on the plus strand (C>T on the coding strand, the complement: IFT172 is on the minus strand). VCF-style: chr2-27457858-G-A. GRCh37 (hg19) VCF-style: chr2-27680725-G-A.
Other names: short protein forms H1032Y.
Identifiers: ClinVar variation 1380358 (VCV001380358.6), dbSNP rs752920969, ClinGen allele CA1580088.